The following is an entry in ClinVar:

NM_020822.3(KCNT1):c.1935G>A (p.Lys645=)

Gene: KCNT1 (potassium sodium-activated channel subfamily T member 1; plus strand). Cytogenetic location: 9q34.3.
Variant type: single nucleotide variant.
Coding change: c.1935G>A on transcript NM_020822.3 (MANE Select); coding-DNA position 1935, G replaced by A.
Protein change: p.Lys645=; no amino-acid change (lysine 645 retained).
Molecular consequence: synonymous variant.
Genome position (GRCh38, 1-based): chr9:135,771,022, G>A. VCF-style: chr9-135771022-G-A. GRCh37 (hg19) VCF-style: chr9-138662868-G-A.
Other names: c.1800G>A, p.Lys600= (NM_001272003.2).
Identifiers: ClinVar variation 2137284 (VCV002137284.28), dbSNP rs1266411991, ClinGen allele CA467821034.

ClinVar aggregate classification (germline): Likely benign. Review status: criteria provided, multiple submitters, no conflicts (2 of 4 stars). 2 submissions from 2 submitters: Likely benign (2). Last evaluated 2022-10-07.

Conditions:
Developmental and epileptic encephalopathy, 14 (DEE14). Also called: Early infantile epileptic encephalopathy 14. Identifiers: Orphanet 293181, MedGen C3554195, MONDO:0013989, OMIM 614959.
Autosomal dominant nocturnal frontal lobe epilepsy 5. Also called: KCNT1-Related Epilepsy; CILIARY DYSKINESIA, PRIMARY, 28, WITHOUT SITUS INVERSUS; CILIARY DYSKINESIA, PRIMARY, 28, WITH SITUS INVERSUS; Epilepsy, nocturnal frontal lobe, 5. Identifiers: Orphanet 98784, MedGen C3554306, MONDO:0014002, OMIM 615005.

Allele frequency attached by ClinVar (database versions not stated): gnomAD exomes below 0.00001; TOPMed below 0.00001; gnomAD 0.00001.
gnomAD v4.1: 3 of 1,613,566 alleles (0.00019%); highest among the groups gnomAD compares: Admixed American, 0.0017%; no homozygotes.

Submissions (2):

Labcorp Genetics (formerly Invitae), Labcorp
Classification: Likely benign for Autosomal dominant nocturnal frontal lobe epilepsy 5; Developmental and epileptic encephalopathy, 14. Last evaluated: 2022-10-07. Review status: criteria provided, single submitter. Criteria: Invitae Variant Classification Sherloc (09022015). Collection method: clinical testing. Allele origin: germline.

CeGaT Center for Human Genetics Tuebingen
Classification: Likely benign. Last evaluated: 2022-05-01. Review status: criteria provided, single submitter. Criteria: CeGaT Center For Human Genetics Tuebingen Variant Classification Criteria Version 2. Collection method: clinical testing. Allele origin: germline. Affected: yes. Observed: 1 variant allele.
Comment: KCNT1: BP4, BP7